The following is an entry in ClinVar:

NM_002900.3(RBP3):c.3487C>T (p.Arg1163Trp)

Gene: RBP3 (retinol binding protein 3; plus strand). Cytogenetic location: 10q11.22.
Variant type: single nucleotide variant.
Coding change: c.3487C>T on transcript NM_002900.3 (MANE Select); coding-DNA position 3487, C replaced by T.
Protein change: p.Arg1163Trp; replaces arginine 1163 with tryptophan.
Molecular consequence: missense variant.
Genome position (GRCh38, 1-based): chr10:47,357,200, C>T. VCF-style: chr10-47357200-C-T. GRCh37 (hg19) VCF-style: chr10-48382162-G-A.
Other names: short protein forms R1163W.
Identifiers: ClinVar variation 1521021 (VCV001521021.8), dbSNP rs782094791, ClinGen allele CA5487033.

ClinVar aggregate classification (germline): Uncertain significance (1 of 4 stars; one submission).

Allele frequency attached by ClinVar (database versions not stated): gnomAD 0.00001; gnomAD exomes 0.00001; ExAC 0.00002.

Submission:

Labcorp Genetics (formerly Invitae), Labcorp
Classification: Uncertain significance. Last evaluated: 2024-10-21. Review status: criteria provided, single submitter. Criteria: Invitae Variant Classification Sherloc (09022015). Collection method: clinical testing. Allele origin: germline.
Comment: This sequence change replaces arginine, which is basic and polar, with tryptophan, which is neutral and slightly polar, at codon 1163 of the RBP3 protein (p.Arg1163Trp). This variant is present in population databases (rs782094791, gnomAD 0.02%). This missense change has been observed in individual(s) with retinitis pigmentosa (internal data). ClinVar contains an entry for this variant (Variation ID: 1521021). An algorithm developed to predict the effect of missense changes on protein structure and function (PolyPhen-2) suggests that this variant is likely to be disruptive. In summary, the available evidence is currently insufficient to determine the role of this variant in disease. Therefore, it has been classified as a Variant of Uncertain Significance.